The following is an entry in ClinVar:

ClinVar aggregate classification (germline): Uncertain significance (1 of 4 stars; one submission).

Conditions:
Arrhythmogenic right ventricular dysplasia 11. Also called: Arrhythmogenic right ventricular dysplasia 11 with mild palmoplantar keratoderma and woolly hair; Arrhythmogenic Right Ventricular Dysplasia/Cardiomyopathy11; ARRHYTHMOGENIC RIGHT VENTRICULAR DYSPLASIA, FAMILIAL, 11. Identifiers: MedGen C1864850, MONDO:0012506, OMIM 610476.

Allele frequency attached by ClinVar (database versions not stated): gnomAD exomes below 0.00001.
gnomAD v4.1: 1 of 1,613,616 alleles (0.000062%); highest among the groups gnomAD compares: Non-Finnish European, 0.000085%; no homozygotes.

Submission:

Labcorp Genetics (formerly Invitae), Labcorp
Classification: Uncertain significance for Arrhythmogenic right ventricular dysplasia 11. Last evaluated: 2023-12-06. Review status: criteria provided, single submitter. Criteria: Invitae Variant Classification Sherloc (09022015). Collection method: clinical testing. Allele origin: germline.
Comment: This sequence change replaces threonine, which is neutral and polar, with alanine, which is neutral and non-polar, at codon 368 of the DSC2 protein (p.Thr368Ala). This variant is not present in population databases (gnomAD no frequency). This variant has not been reported in the literature in individuals affected with DSC2-related conditions. ClinVar contains an entry for this variant (Variation ID: 1347690). Advanced modeling of protein sequence and biophysical properties (such as structural, functional, and spatial information, amino acid conservation, physicochemical variation, residue mobility, and thermodynamic stability) performed at Invitae indicates that this missense variant is not expected to disrupt DSC2 protein function with a negative predictive value of 80%. In summary, the available evidence is currently insufficient to determine the role of this variant in disease. Therefore, it has been classified as a Variant of Uncertain Significance.

NM_024422.6(DSC2):c.1102A>G (p.Thr368Ala)

Gene: DSC2 (desmocollin 2; minus strand). Cytogenetic location: 18q12.1.
Variant type: single nucleotide variant.
Coding change: c.1102A>G on transcript NM_024422.6 (MANE Select); coding-DNA position 1102, A replaced by G.
Protein change: p.Thr368Ala; replaces threonine 368 with alanine.
Molecular consequence: missense variant.
Genome position (GRCh38, 1-based): chr18:31,082,399, T>C on the plus strand (A>G on the coding strand, the complement: DSC2 is on the minus strand). VCF-style: chr18-31082399-T-C. GRCh37 (hg19) VCF-style: chr18-28662365-T-C.
Other names: c.1102A>G, p.Thr368Ala (NM_004949.5); short protein forms T368A.
Identifiers: ClinVar variation 1347690 (VCV001347690.8), dbSNP rs1598583223, ClinGen allele CA402110031.